The following is an entry in ClinVar:

ClinVar aggregate classification (germline): Uncertain significance (1 of 4 stars; one submission).

gnomAD v4.1: 3 of 1,612,856 alleles (0.00019%); highest among the groups gnomAD compares: Non-Finnish European, 0.00025%; no homozygotes.

Submission:

GeneDx
Classification: Uncertain significance. Last evaluated: 2025-05-07. Review status: criteria provided, single submitter. Criteria: GeneDx Variant Classification Process June 2021. Collection method: clinical testing. Allele origin: germline. Affected: yes.
Comment: Not observed at significant frequency in large population cohorts (gnomAD); Has not been previously published as pathogenic or benign to our knowledge; In silico analysis supports that this missense variant has a deleterious effect on protein structure/function; Variants in candidate genes are classified as variants of uncertain significance in accordance with ACMG guidelines (PMID: 25741868)

NM_001003699.4(RREB1):c.3818C>G (p.Pro1273Arg)

Gene: RREB1 (ras responsive element binding protein 1; plus strand). Cytogenetic location: 6p24.3.
Variant type: single nucleotide variant.
Coding change: c.3818C>G on transcript NM_001003699.4 (MANE Select); coding-DNA position 3818, C replaced by G.
Protein change: p.Pro1273Arg; replaces proline 1273 with arginine.
Molecular consequence: missense variant. On other transcripts: intron variant (2).
Genome position (GRCh38, 1-based): chr6:7,240,447, C>G. VCF-style: chr6-7240447-C-G. GRCh37 (hg19) VCF-style: chr6-7240680-C-G.
Other names: c.3818C>G, p.Pro1273Arg (NM_001003700.2); c.3809-5977C>G (NM_001168344.2, NM_001003698.4); short protein forms P1273R.
Identifiers: ClinVar variation 4527173 (VCV004527173.1).